The following is an entry in ClinVar:

NM_001184880.2(PCDH19):c.688G>A (p.Asp230Asn)

Gene: PCDH19 (protocadherin 19; minus strand). Cytogenetic location: Xq22.1.
Variant type: single nucleotide variant.
Coding change: c.688G>A on transcript NM_001184880.2 (MANE Select); coding-DNA position 688, G replaced by A.
Protein change: p.Asp230Asn; replaces aspartic acid 230 with asparagine.
Molecular consequence: missense variant.
Genome position (GRCh38, 1-based): chrX:100,407,910, C>T on the plus strand (G>A on the coding strand, the complement: PCDH19 is on the minus strand). VCF-style: chrX-100407910-C-T. GRCh37 (hg19) VCF-style: chrX-99662908-C-T.
Other names: c.688G>A, p.Asp230Asn (NM_001105243.2, NM_020766.3); short protein forms D230N.
Identifiers: ClinVar variation 1002551 (VCV001002551.9), dbSNP rs1928439241, ClinGen allele CA414008660.

ClinVar aggregate classification (germline): Pathogenic (1 of 4 stars; one submission).

Conditions:
Developmental and epileptic encephalopathy, 9 (DEE9). Also called: Early infantile epileptic encephalopathy 9; JUBERG-HELLMAN SYNDROME; EPILEPSY, FEMALE-RESTRICTED, WITH MENTAL RETARDATION; PCDH19-Related X-Linked Female-Limited Epilepsy with Mental Retardation. Identifiers: Orphanet 101039, Orphanet 2076, MedGen C1848137, MONDO:0010246, OMIM 300088. Disease mechanism: loss of function.

Submission:

Labcorp Genetics (formerly Invitae), Labcorp
Classification: Pathogenic for Developmental and epileptic encephalopathy, 9. Last evaluated: 2022-05-27. Review status: criteria provided, single submitter. Criteria: Invitae Variant Classification Sherloc (09022015). Collection method: clinical testing. Allele origin: germline.
Comment: For these reasons, this variant has been classified as Pathogenic. This sequence change replaces aspartic acid, which is acidic and polar, with asparagine, which is neutral and polar, at codon 230 of the PCDH19 protein (p.Asp230Asn). This variant is not present in population databases (gnomAD no frequency). This missense change has been observed in individual(s) with clinical features of PCDH19-related conditions (PMID: 26993267, 33262389). In at least one individual the variant was observed to be de novo. ClinVar contains an entry for this variant (Variation ID: 1002551). Advanced modeling of protein sequence and biophysical properties (such as structural, functional, and spatial information, amino acid conservation, physicochemical variation, residue mobility, and thermodynamic stability) performed at Invitae indicates that this missense variant is expected to disrupt PCDH19 protein function.

Literature cited by the submitters: PubMed 26993267; PubMed 33262389.